The following is an entry in ClinVar:

NM_006017.3(PROM1):c.1605T>G (p.Asn535Lys)

Gene: PROM1 (prominin 1; minus strand). Cytogenetic location: 4p15.32.
Variant type: single nucleotide variant.
Coding change: c.1605T>G on transcript NM_006017.3 (MANE Select); coding-DNA position 1605, T replaced by G.
Protein change: p.Asn535Lys; replaces asparagine 535 with lysine.
Molecular consequence: missense variant.
Genome position (GRCh38, 1-based): chr4:15,998,462, A>C on the plus strand (T>G on the coding strand, the complement: PROM1 is on the minus strand). VCF-style: chr4-15998462-A-C. GRCh37 (hg19) VCF-style: chr4-16000085-A-C.
Other names: c.1578T>G, p.Asn526Lys (NM_001145847.2, NM_001145848.2, NM_001145851.2 and 4 more transcripts); c.1605T>G, p.Asn535Lys (NM_001145849.2, NM_001145850.2); c.1605T>G (NM_006017.2); short protein forms N526K, N535K.
Identifiers: ClinVar variation 2786588 (VCV002786588.4), dbSNP rs1722867816, ClinGen allele CA356431999.
Genomic context (GRCh38, chr4:15,998,462, plus strand): 5'-AGTGAGCTTCATTTTTGATTTATTAAATAGCTTCCCAGAGAGATAGTATTCCCAGTCTTC[A>C]TTTAGTAAGTAGGGTGTATCCAAAACCTAGAACACATTAGGAAGTATTTTCGAAAAATCA-3'
Protein context (NP_006008.1, residues 525-545): FRVLDTPYLL[Asn535Lys]EDWEYYLSGK

ClinVar aggregate classification (germline): Uncertain significance. Review status: criteria provided, single submitter (1 of 4 stars). 2 submissions from 2 submitters: Uncertain significance (1). 1 of the submissions does not count toward it. Last evaluated 2024-01-19.

Conditions:
PROM1-related disorder. Also called: PROM1-related condition; PROM1-related disorders.

Allele frequency attached by ClinVar (database versions not stated): gnomAD exomes below 0.00001; TOPMed below 0.00001.
gnomAD v4.1: 2 of 1,608,616 alleles (0.00012%); highest among the groups gnomAD compares: Non-Finnish European, 0.00017%; no homozygotes.

Submissions (2):

Labcorp Genetics (formerly Invitae), Labcorp
Classification: Uncertain significance. Last evaluated: 2024-01-19. Review status: criteria provided, single submitter. Criteria: Invitae Variant Classification Sherloc (09022015). Collection method: clinical testing. Allele origin: germline.
Comment: This sequence change replaces asparagine, which is neutral and polar, with lysine, which is basic and polar, at codon 535 of the PROM1 protein (p.Asn535Lys). This variant is not present in population databases (gnomAD no frequency). This variant has not been reported in the literature in individuals affected with PROM1-related conditions. Advanced modeling of protein sequence and biophysical properties (such as structural, functional, and spatial information, amino acid conservation, physicochemical variation, residue mobility, and thermodynamic stability) performed at Invitae indicates that this missense variant is not expected to disrupt PROM1 protein function with a negative predictive value of 80%. In summary, the available evidence is currently insufficient to determine the role of this variant in disease. Therefore, it has been classified as a Variant of Uncertain Significance.

PreventionGenetics, part of Exact Sciences
Classification: Uncertain significance for PROM1-related condition. Last evaluated: 2024-09-27. Review status: no assertion criteria provided. Collection method: clinical testing. Allele origin: germline. Not counted in ClinVar's aggregate classification.
Comment: The PROM1 c.1605T>G variant is predicted to result in the amino acid substitution p.Asn535Lys. To our knowledge, this variant has not been reported in the literature or in a large population database, indicating this variant is rare. At this time, the clinical significance of this variant is uncertain due to the absence of conclusive functional and genetic evidence.